The following is an entry in ClinVar:

NM_201596.3(CACNB2):c.1A>G (p.Met1Val)

Gene: CACNB2 (calcium voltage-gated channel auxiliary subunit beta 2; plus strand). Cytogenetic location: 10p12.33.
Variant type: single nucleotide variant.
Coding change: c.1A>G on transcript NM_201596.3 (MANE Select); coding-DNA position 1, A replaced by G.
Protein change: p.Met1Val; changes the start codon (methionine 1).
Molecular consequence: missense variant, initiator codon variant. On other transcripts: 5 prime UTR variant (3).
Genome position (GRCh38, 1-based): chr10:18,140,737, A>G. VCF-style: chr10-18140737-A-G. GRCh37 (hg19) VCF-style: chr10-18429666-A-G.
Other names: c.-443A>G (NM_001167945.2, NM_201571.4, NM_201572.4); c.1A>G, p.Met1Val (NM_201593.3, NM_201597.3); short protein forms M1V.
Identifiers: ClinVar variation 402476 (VCV000402476.5), dbSNP rs746311834, ClinGen allele CA5429322.

ClinVar aggregate classification (germline): Uncertain significance (1 of 4 stars; one submission).

Allele frequency attached by ClinVar (database versions not stated): TOPMed 0.00004 and 0.00003; gnomAD exomes 0.00002; gnomAD 0.00003; ExAC 0.00002.

Submission:

Laboratory for Molecular Medicine, Mass General Brigham Personalized Medicine
Classification: Uncertain significance. Last evaluated: 2016-10-20. Review status: criteria provided, single submitter. Criteria: LMM Criteria. Collection method: clinical testing. Allele origin: germline.
Comment: Variant identified in a genome or exome case(s) and assessed due to predicted null impact of the variant or pathogenic assertions in the literature or databases. Disclaimer: This variant has not undergone full assessment. The following are preliminary notes: LOF not a known disease mechanism for this gene; the LMM classified another change at this position as VUS4 in 2015